The following is an entry in ClinVar:

ClinVar aggregate classification (germline): Uncertain significance (1 of 4 stars; one submission).

Conditions:
Familial adenomatous polyposis 1 (FAP1). Also called: FAMILIAL ADENOMATOUS POLYPOSIS 1, ATTENUATED; POLYPOSIS, ADENOMATOUS INTESTINAL. Identifiers: MedGen C2713442, MONDO:0021056, OMIM 175100. Disease mechanism: loss of function.

Submission:

Labcorp Genetics (formerly Invitae), Labcorp
Classification: Uncertain significance for Familial adenomatous polyposis 1. Last evaluated: 2023-05-20. Review status: criteria provided, single submitter. Criteria: Invitae Variant Classification Sherloc (09022015). Collection method: clinical testing. Allele origin: germline.
Comment: In summary, the available evidence is currently insufficient to determine the role of this variant in disease. Therefore, it has been classified as a Variant of Uncertain Significance. Advanced modeling of protein sequence and biophysical properties (such as structural, functional, and spatial information, amino acid conservation, physicochemical variation, residue mobility, and thermodynamic stability) performed at Invitae indicates that this missense variant is not expected to disrupt APC protein function. This variant has not been reported in the literature in individuals affected with APC-related conditions. This variant is not present in population databases (gnomAD no frequency). This sequence change replaces proline, which is neutral and non-polar, with glutamine, which is neutral and polar, at codon 1024 of the APC protein (p.Pro1024Gln).

NM_000038.6(APC):c.3071C>A (p.Pro1024Gln)

Gene: APC (APC regulator of Wnt signaling pathway; plus strand). Cytogenetic location: 5q22.2.
Variant type: single nucleotide variant.
Coding change: c.3071C>A on transcript NM_000038.6 (MANE Select); coding-DNA position 3071, C replaced by A.
Protein change: p.Pro1024Gln; replaces proline 1024 with glutamine.
Molecular consequence: missense variant. On other transcripts: non-coding transcript variant (2).
Genome position (GRCh38, 1-based): chr5:112,838,665, C>A. VCF-style: chr5-112838665-C-A. GRCh37 (hg19) VCF-style: chr5-112174362-C-A.
Other names: c.3071C>A, p.Pro1024Gln (NM_001127510.3, NM_001354895.2, NM_001407450.1); c.3017C>A, p.Pro1006Gln (NM_001127511.3); c.3125C>A, p.Pro1042Gln (NM_001354896.2, NM_001407447.1, NM_001407448.1 and 1 more transcripts); c.3101C>A, p.Pro1034Gln (NM_001354897.2); c.2996C>A, p.Pro999Gln (NM_001354898.2); c.2987C>A, p.Pro996Gln (NM_001354899.2); c.2948C>A, p.Pro983Gln (NM_001354900.2); c.2894C>A, p.Pro965Gln (NM_001354901.2, NM_001407453.1); and 11 more; short protein forms P1024Q, P1052Q, P741Q, P895Q, P923Q, P996Q, P864Q, P999Q.
Identifiers: ClinVar variation 2866101 (VCV002866101.3), dbSNP rs2149883688, ClinGen allele CA16028058.